The following is an entry in ClinVar:

NM_001005242.3(PKP2):c.1601G>T (p.Arg534Ile)

Gene: PKP2 (plakophilin 2; minus strand). Cytogenetic location: 12p11.21.
Variant type: single nucleotide variant.
Coding change: c.1601G>T on transcript NM_001005242.3 (MANE Select); coding-DNA position 1601, G replaced by T.
Protein change: p.Arg534Ile; replaces arginine 534 with isoleucine.
Molecular consequence: missense variant.
Genome position (GRCh38, 1-based): chr12:32,824,118, C>A on the plus strand (G>T on the coding strand, the complement: PKP2 is on the minus strand). VCF-style: chr12-32824118-C-A. GRCh37 (hg19) VCF-style: chr12-32977052-C-A.
Other names: c.1601G>T, p.Arg534Ile (NM_001407155.1, NM_001407156.1, NM_001407161.1); c.1733G>T, p.Arg578Ile (NM_001407157.1, NM_004572.4); c.1274G>T, p.Arg425Ile (NM_001407158.1, NM_001407159.1, NM_001407160.1 and 1 more transcripts); short protein forms R534I, R578I, R425I.
Identifiers: ClinVar variation 3727982 (VCV003727982.2).

ClinVar aggregate classification (germline): Uncertain significance (1 of 4 stars; one submission).

Conditions:
Arrhythmogenic right ventricular dysplasia 9 (ARVD9). Also called: Arrhythmogenic Right Ventricular Dysplasia/Cardiomyopathy 9; ARRHYTHMOGENIC RIGHT VENTRICULAR DYSPLASIA, FAMILIAL, 9. Identifiers: MedGen C1836906, MONDO:0012180, OMIM 609040.

Submission:

Labcorp Genetics (formerly Invitae), Labcorp
Classification: Uncertain significance for Arrhythmogenic right ventricular dysplasia 9. Last evaluated: 2024-12-24. Review status: criteria provided, single submitter. Criteria: Invitae Variant Classification Sherloc (09022015). Collection method: clinical testing. Allele origin: germline.
Comment: This sequence change replaces arginine, which is basic and polar, with isoleucine, which is neutral and non-polar, at codon 578 of the PKP2 protein (p.Arg578Ile). This variant is not present in population databases (gnomAD no frequency). This variant has not been reported in the literature in individuals affected with PKP2-related conditions. An algorithm developed to predict the effect of missense changes on protein structure and function (PolyPhen-2) suggests that this variant is likely to be disruptive. In summary, the available evidence is currently insufficient to determine the role of this variant in disease. Therefore, it has been classified as a Variant of Uncertain Significance.